The following is an entry in ClinVar:

NM_032043.3(BRIP1):c.1574T>C (p.Ile525Thr)

Gene: BRIP1 (BRCA1 interacting DNA helicase 1; minus strand). Cytogenetic location: 17q23.2.
Variant type: single nucleotide variant.
Coding change: c.1574T>C on transcript NM_032043.3 (MANE Select); coding-DNA position 1574, T replaced by C.
Protein change: p.Ile525Thr; replaces isoleucine 525 with threonine.
Molecular consequence: missense variant.
Genome position (GRCh38, 1-based): chr17:61,784,324, A>G on the plus strand (T>C on the coding strand, the complement: BRIP1 is on the minus strand). VCF-style: chr17-61784324-A-G. GRCh37 (hg19) VCF-style: chr17-59861685-A-G.
Other names: short protein forms I525T.
Identifiers: ClinVar variation 3894354 (VCV003894354.2).
Genomic context (GRCh38, chr17:61,784,324, plus strand): 5'-ACTTACCTGCTATTTTGCCTAAAAAGATAGTCAAGTACCATAAAAAGTCCTTTAAGCATT[A>G]TTTGAGTTGATGCACTAATAACAGGTACTTCTCTTGCCTCCTCTTTACCATAAATTGGTG-3'
Protein context (NP_114432.2, residues 515-535): EVPVISASTQ[Ile525Thr]MLKGLFMVLD

ClinVar aggregate classification (germline): Uncertain significance. Review status: criteria provided, multiple submitters, no conflicts (2 of 4 stars). 2 submissions from 2 submitters: Uncertain significance (2). Last evaluated 2024-02-04.

Conditions:
Hereditary cancer-predisposing syndrome. Also called: Neoplastic Syndromes, Hereditary; Tumor predisposition; Hereditary Cancer Syndrome; Hereditary neoplastic syndrome. Identifiers: Orphanet 140162, MedGen C0027672, MeSH D009386, MONDO:0015356.

Submissions (2):

Color Diagnostics, LLC DBA Color Health
Classification: Uncertain significance for Hereditary cancer-predisposing syndrome. Last evaluated: 2024-02-04. Review status: criteria provided, single submitter. Criteria: ACMG Guidelines, 2015. Collection method: clinical testing. Allele origin: germline.
Comment: This missense variant replaces isoleucine with threonine at codon 525 of the BRIP1 protein. Computational prediction suggests that this variant may not impact protein structure and function (internally defined REVEL score threshold <= 0.5, PMID: 27666373). To our knowledge, functional studies have not been reported for this variant. This variant has not been reported in individuals affected with BRIP1-related disorders in the literature. This variant has not been identified in the general population by the Genome Aggregation Database (gnomAD). The available evidence is insufficient to determine the role of this variant in disease conclusively. Therefore, this variant is classified as a Variant of Uncertain Significance.

Blueprint Genetics
Classification: Uncertain significance. Last evaluated: 2021-08-31. Review status: criteria provided, single submitter. Criteria: ACMG Guidelines, 2015. Collection method: clinical testing. Allele origin: germline.